The following is an entry in ClinVar:

NM_001042646.3(TRAK1):c.1744+75G>A

Gene: TRAK1 (trafficking kinesin protein 1; plus strand). Cytogenetic location: 3p22.1.
Variant type: single nucleotide variant.
Coding change: c.1744+75G>A on transcript NM_001042646.3 (MANE Select); 75 bases into the intron after coding-DNA position 1744, G replaced by A.
Molecular consequence: intron variant. On other transcripts: missense variant (1).
Genome position (GRCh38, 1-based): chr3:42,202,827, G>A. VCF-style: chr3-42202827-G-A. GRCh37 (hg19) VCF-style: chr3-42244319-G-A.
Other names: c.1597G>A, p.Ala533Thr (NM_001265610.1); c.1432+75G>A (NM_001349245.1); c.1744+75G>A (NM_001349247.2, NM_001349246.2, NM_001265608.2); c.1522+75G>A (NM_001349249.1, NM_001349248.1, NM_001265609.2); c.1570+75G>A (NM_001410741.1, NM_014965.5); short protein forms A533T.
Identifiers: ClinVar variation 2636519 (VCV002636519.2), dbSNP rs747822906, ClinGen allele CA2333591.

ClinVar aggregate classification (germline): Uncertain significance (0 of 4 stars; one submission).

Conditions:
TRAK1-related disorder. Also called: TRAK1-related condition.

Allele frequency attached by ClinVar (database versions not stated): TOPMed below 0.00001; gnomAD exomes 0.00001.
gnomAD v4.1: 5 of 1,586,534 alleles (0.00032%); highest among the groups gnomAD compares: East Asian, 0.011%; no homozygotes.

Submission:

PreventionGenetics, part of Exact Sciences
Classification: Uncertain significance for TRAK1-related condition. Last evaluated: 2024-07-16. Review status: no assertion criteria provided. Collection method: clinical testing. Allele origin: germline.
Comment: The TRAK1 c.1597G>A variant is predicted to result in the amino acid substitution p.Ala533Thr. To our knowledge, this variant has not been reported in the literature. This variant is reported in 0.018% of alleles in individuals of East Asian descent in gnomAD. Of note, this variant is located within an intron on the HGMD/MANE reportable transcript (NM_001042646.3:c.1744+75G>A). At this time, the clinical significance of this variant is uncertain due to the absence of conclusive functional and genetic evidence.